The following is an entry in ClinVar:

NM_018136.5(ASPM):c.7322A>C (p.Tyr2441Ser)

Gene: ASPM (assembly factor for spindle microtubules; minus strand). Cytogenetic location: 1q31.3.
Variant type: single nucleotide variant.
Coding change: c.7322A>C on transcript NM_018136.5 (MANE Select); coding-DNA position 7322, A replaced by C.
Protein change: p.Tyr2441Ser; replaces tyrosine 2441 with serine.
Molecular consequence: missense variant. On other transcripts: intron variant (1).
Genome position (GRCh38, 1-based): chr1:197,101,929, T>G on the plus strand (A>C on the coding strand, the complement: ASPM is on the minus strand). VCF-style: chr1-197101929-T-G. GRCh37 (hg19) VCF-style: chr1-197071059-T-G.
Other names: c.4066-5765A>C (NM_001206846.2); short protein forms Y2441S.
Identifiers: ClinVar variation 3666015 (VCV003666015.2).
Genomic context (GRCh38, chr1:197,101,929, plus strand): 5'-GCTGCCTTTCTTAAGTGCAAGAATTGGTACAATTTATGTTTGGCACAAATGGTGGCTCGA[T>G]ATTTCCTCTGAACAAAAATAGTAGCTTTTTTGAGGGAAATGAATCTTCTCCTCACCAGTA-3'
Protein context (NP_060606.3, residues 2431-2451): KKATIFVQRK[Tyr2441Ser]RATICAKHKL

ClinVar aggregate classification (germline): Uncertain significance (1 of 4 stars; one submission).

Submission:

Labcorp Genetics (formerly Invitae), Labcorp
Classification: Uncertain significance. Last evaluated: 2025-03-03. Review status: criteria provided, single submitter. Criteria: Invitae Variant Classification Sherloc (09022015). Collection method: clinical testing. Allele origin: germline.
Comment: This sequence change replaces tyrosine, which is neutral and polar, with serine, which is neutral and polar, at codon 2441 of the ASPM protein (p.Tyr2441Ser). This variant is not present in population databases (gnomAD no frequency). This variant has not been reported in the literature in individuals affected with ASPM-related conditions. Invitae Evidence Modeling of protein sequence and biophysical properties (such as structural, functional, and spatial information, amino acid conservation, physicochemical variation, residue mobility, and thermodynamic stability) indicates that this missense variant is not expected to disrupt ASPM protein function with a negative predictive value of 80%. In summary, the available evidence is currently insufficient to determine the role of this variant in disease. Therefore, it has been classified as a Variant of Uncertain Significance.